The following is an entry in ClinVar:

ClinVar aggregate classification (germline): Uncertain significance (1 of 4 stars; one submission).

Submission:

Labcorp Genetics (formerly Invitae), Labcorp
Classification: Uncertain significance. Last evaluated: 2022-12-30. Review status: criteria provided, single submitter. Criteria: Invitae Variant Classification Sherloc (09022015). Collection method: clinical testing. Allele origin: germline.
Comment: In summary, the available evidence is currently insufficient to determine the role of this variant in disease. Therefore, it has been classified as a Variant of Uncertain Significance. Advanced modeling of protein sequence and biophysical properties (such as structural, functional, and spatial information, amino acid conservation, physicochemical variation, residue mobility, and thermodynamic stability) performed at Invitae indicates that this missense variant is expected to disrupt POLE protein function. This variant has not been reported in the literature in individuals affected with POLE-related conditions. This variant is not present in population databases (gnomAD no frequency). This sequence change replaces glutamic acid, which is acidic and polar, with valine, which is neutral and non-polar, at codon 1428 of the POLE protein (p.Glu1428Val).

NM_006231.4(POLE):c.4283A>T (p.Glu1428Val)

Gene: POLE (DNA polymerase epsilon, catalytic subunit; minus strand). Cytogenetic location: 12q24.33.
Variant type: single nucleotide variant.
Coding change: c.4283A>T on transcript NM_006231.4 (MANE Select); coding-DNA position 4283, A replaced by T.
Protein change: p.Glu1428Val; replaces glutamic acid 1428 with valine.
Molecular consequence: missense variant.
Genome position (GRCh38, 1-based): chr12:132,643,844, T>A on the plus strand (A>T on the coding strand, the complement: POLE is on the minus strand). VCF-style: chr12-132643844-T-A. GRCh37 (hg19) VCF-style: chr12-133220430-T-A.
Other names: short protein forms E1428V.
Identifiers: ClinVar variation 2824902 (VCV002824902.3), dbSNP rs2138558269, ClinGen allele CA387381765.